The following is an entry in ClinVar:

NM_000517.6(HBA2):c.121A>G (p.Lys41Glu)

Genes: HBA2 (hemoglobin subunit alpha 2; plus strand), LOC106804612 (hemoglobin subunit alpha 2 recombination region; plus strand). Cytogenetic location: 16p13.3.
Variant type: single nucleotide variant.
Coding change: c.121A>G on transcript NM_000517.6 (MANE Select); coding-DNA position 121, A replaced by G.
Protein change: p.Lys41Glu; replaces lysine 41 with glutamic acid.
Molecular consequence: missense variant.
Genome position (GRCh38, 1-based): chr16:173,150, A>G. VCF-style: chr16-173150-A-G. GRCh37 (hg19) VCF-style: chr16-223149-A-G.
Other names: short protein forms K41E.
Identifiers: ClinVar variation 4685594 (VCV004685594.1).
Genomic context (GRCh38, chr16:173,150, plus strand): 5'-CCAAACCCCACCCCTCACTCTGCTTCTCCCCGCAGGATGTTCCTGTCCTTCCCCACCACC[A>G]AGACCTACTTCCCGCACTTCGACCTGAGCCACGGCTCTGCCCAGGTTAAGGGCCACGGCA-3'
Protein context (NP_000508.1, residues 31-51): ERMFLSFPTT[Lys41Glu]TYFPHFDLSH

ClinVar aggregate classification (germline): Uncertain significance (1 of 4 stars; one submission).

Submission:

ARUP Laboratories, Molecular Genetics and Genomics, ARUP Laboratories
Classification: Uncertain significance. Last evaluated: 2025-01-29. Review status: criteria provided, single submitter. Criteria: ARUP Molecular Germline Variant Investigation Process 2024. Collection method: clinical testing. Allele origin: germline.
Comment: The Hb Kariya variant (HBA2: c.121A>G; p.Lys41Glu, also known as Lys40Glu when numbered from the mature protein, rs281864827, HbVar ID:52) is reported in the literature in one heterozygous individual who did not have clinical symptoms (Harano 1983, HbVar database and references therein). This variant is reported as a slightly unstable hemoglobin variant with increased oxygen affinity (Imai 1989, HbVar database and references therein). This variant is absent from the Genome Aggregation Database (v2.1.1), indicating it is not a common polymorphism. Another variant at this codon (Hb Linwood, HbVar ID: 1255, c.121A>C; p.Lys41Gln) have been reported in a mother and baby whose hemoglobin was in the high range of normal (HbVar database and references there in). Additionally, another variant in the homologous gene HBA2 (Hb Saratoga springs, HbVar ID:1117, c.123G>C, p.Lys41Asn) has been reported in individuals with moderate erythrocytosis (see HbVar database and references therein). Computational analyses predict that this variant is deleterious (REVEL: 0.909). Due to limited information, the clinical significance of this variant is uncertain at this time. References: Link to HbVar database: Harano T et al. Hemoglobin Kariya [alpha 40 (C5) Lys leads to Glu]: a new hemoglobin variant with an increased oxygen affinity. FEBS Lett. 1983 Mar 21;153(2):332-4. PMID: 6137414. Imai K et al. Structure-function relationships in hemoglobin Kariya, Lys-40(C5) alpha----Glu, with high oxygen affinity. Functional role of the salt bridge between Lys-40 alpha and the beta chain COOH terminus. J Biol Chem. 1989 Jul 5;264(19):11174-80. PMID: 2500435.